The following is an entry in ClinVar:

NM_003172.4(SURF1):c.54+20_54+33del

Genes: SURF1 (SURF1 cytochrome c oxidase assembly factor; minus strand), LOC130002899 (ATAC-STARR-seq lymphoblastoid silent region 20452; plus strand). Cytogenetic location: 9q34.2.
Variant type: Microsatellite.
Coding change: c.54+20_54+33del on transcript NM_003172.4 (MANE Select); bases 20 to 33 of the intron after coding-DNA position 54, 14 bases deleted (TGCGGGGTGCGGGG).
Molecular consequence: intron variant.
Genome position (GRCh38, 1-based): chr9:133,356,367-133,356,380, CCCCGCACCCCGCA deleted on the plus strand (TGCGGGGTGCGGGG on the coding strand, the reverse complement: SURF1 is on the minus strand); deleting any 14 consecutive bases within chr9:133,356,367-133,356,390 gives the same sequence; the c. name uses the placement nearest the transcript's 3' end. VCF-style (leftmost placement, unchanged base first): chr9-133356366-GCCCCGCACCCCGCA-G. GRCh37 (hg19) VCF-style: chr9-136223221-GCCCCGCACCCCGCA-G.
Other names: c.-222+20_-222+33del (NM_001280787.1).
Identifiers: ClinVar variation 3628323 (VCV003628323.2).

ClinVar aggregate classification (germline): Uncertain significance (1 of 4 stars; one submission).

Conditions:
Leigh syndrome (NULS). Also called: Leigh Disease; Leigh's necrotizing encephalopathy; Leigh's disease; Leigh's syndrome; Subacute necrotizing encephalopathy; Necrotizing encephalopathy infantile subacute of Leigh. Identifiers: Orphanet 506, MedGen C2931891, MONDO:0009723, OMIM 256000.

Submission:

Labcorp Genetics (formerly Invitae), Labcorp
Classification: Uncertain significance for Leigh syndrome. Last evaluated: 2025-01-29. Review status: criteria provided, single submitter. Criteria: Invitae Variant Classification Sherloc (09022015). Collection method: clinical testing. Allele origin: germline.
Comment: This sequence change falls in intron 1 of the SURF1 gene. It does not directly change the encoded amino acid sequence of the SURF1 protein. The frequency data for this variant in the population databases is considered unreliable, as metrics indicate insufficient coverage at this position in the gnomAD database. This variant has not been reported in the literature in individuals affected with SURF1-related conditions. In summary, the available evidence is currently insufficient to determine the role of this variant in disease. Therefore, it has been classified as a Variant of Uncertain Significance.